The following is an entry in ClinVar:

ClinVar aggregate classification (germline): Uncertain significance. Review status: criteria provided, multiple submitters, no conflicts (2 of 4 stars). 2 submissions from 2 submitters: Uncertain significance (2). Last evaluated 2024-02-27.

Conditions:
Heimler syndrome 2 (HMLR2). Also called: PEROXISOME BIOGENESIS DISORDER 4C. Identifiers: Orphanet 3220, MedGen C4225267, OMIM 616617, MONDO:0014709.
Peroxisome biogenesis disorder 4A (Zellweger) (PBD4A). Also called: Zellweger syndrome spectrum (PEX6-related). Identifiers: Orphanet 912, MedGen C3553936, MONDO:0013930, OMIM 614862. Disease mechanism: loss of function.
Peroxisome biogenesis disorder 4B (PBD4B). Also called: SPINOCEREBELLAR ATAXIA WITH BLINDNESS AND DEAFNESS 1. Identifiers: Orphanet 44, Orphanet 95433, MedGen C3553937, MONDO:0013931, OMIM 614863.
Peroxisome biogenesis disorder. Identifiers: Orphanet 79189, MedGen C1832200, MONDO:0019234. Disease mechanism: loss of function.

Allele frequency attached by ClinVar (database versions not stated): gnomAD exomes below 0.00001; gnomAD 0.00001; ExAC 0.00002; ESP Exome Variant Server 0.00008.
gnomAD v4.1: 3 of 1,613,660 alleles (0.00019%); highest among the groups gnomAD compares: African/African-American, 0.0013%; no homozygotes.

Submissions (2):

Fulgent Genetics
Classification: Uncertain significance for Peroxisome biogenesis disorder 4A (Zellweger); Peroxisome biogenesis disorder 4B; Heimler syndrome 2. Last evaluated: 2024-02-27. Review status: criteria provided, single submitter. Criteria: ACMG Guidelines, 2015. Collection method: clinical testing. Allele origin: germline.

Labcorp Genetics (formerly Invitae), Labcorp
Classification: Uncertain significance for Peroxisome biogenesis disorder. Last evaluated: 2022-01-06. Review status: criteria provided, single submitter. Criteria: Invitae Variant Classification Sherloc (09022015). Collection method: clinical testing. Allele origin: germline.
Comment: This sequence change replaces serine, which is neutral and polar, with phenylalanine, which is neutral and non-polar, at codon 434 of the PEX6 protein (p.Ser434Phe). This variant is present in population databases (rs376605111, gnomAD 0.004%). This variant has not been reported in the literature in individuals affected with PEX6-related conditions. Algorithms developed to predict the effect of missense changes on protein structure and function are either unavailable or do not agree on the potential impact of this missense change (SIFT: "Tolerated"; PolyPhen-2: "Possibly Damaging"; Align-GVGD: "Class C0"). In summary, the available evidence is currently insufficient to determine the role of this variant in disease. Therefore, it has been classified as a Variant of Uncertain Significance.

NM_000287.4(PEX6):c.1301C>T (p.Ser434Phe)

Gene: PEX6 (peroxisomal biogenesis factor 6; minus strand). Cytogenetic location: 6p21.1.
Variant type: single nucleotide variant.
Coding change: c.1301C>T on transcript NM_000287.4 (MANE Select); coding-DNA position 1301, C replaced by T.
Protein change: p.Ser434Phe; replaces serine 434 with phenylalanine.
Molecular consequence: missense variant. On other transcripts: non-coding transcript variant (1).
Genome position (GRCh38, 1-based): chr6:42,969,734, G>A on the plus strand (C>T on the coding strand, the complement: PEX6 is on the minus strand). VCF-style: chr6-42969734-G-A. GRCh37 (hg19) VCF-style: chr6-42937472-G-A.
Other names: c.1037C>T, p.Ser346Phe (NM_001316313.2); short protein forms S346F, S434F.
Identifiers: ClinVar variation 1936585 (VCV001936585.3), dbSNP rs376605111, ClinGen allele CA3811375.
Genomic context (GRCh38, chr6:42,969,734, plus strand): 5'-TGGAGGCGAGGCTTCAGGACAGCACAGAGTTCAGACACCAAGGCCTCCAGGCCTGGAGGA[G>A]ACAAACTGCTCCAGAGAGTGGATTCCTCTGAAGGGAGCCATGGAACAGGGCTCAGGGTAG-3'
Protein context (NP_000278.3, residues 424-444): SEESTLWSSL[Ser434Phe]PPGLEALVSE